The following is an entry in ClinVar:

ClinVar aggregate classification (germline): Benign/Likely benign. Review status: criteria provided, multiple submitters, no conflicts (2 of 4 stars). 4 submissions from 4 submitters: Benign (1); Likely benign (3). Last evaluated 2026-05-01.

Conditions:
Inborn genetic diseases. Identifiers: MedGen C0950123, MeSH D030342.
Kleefstra syndrome 1 (KLEFS1). Identifiers: Orphanet 261494, MedGen C0795833, MONDO:0027407, OMIM 610253.

Allele frequency attached by ClinVar (database versions not stated): ExAC 0.00001; gnomAD exomes 0.00001 and 0.00003; gnomAD 0.00004; TOPMed 0.00006.

Submissions (4):

CeGaT Center for Human Genetics Tuebingen
Classification: Likely benign. Last evaluated: 2026-05-01. Review status: criteria provided, single submitter. Criteria: CeGaT Center For Human Genetics Tuebingen Variant Classification Criteria Version 2. Collection method: clinical testing. Allele origin: germline. Affected: yes. Observed: 1 variant allele.
Comment: EHMT1: BS2

Labcorp Genetics (formerly Invitae), Labcorp
Classification: Likely benign for Kleefstra syndrome 1. Last evaluated: 2025-12-19. Review status: criteria provided, single submitter. Criteria: Invitae Variant Classification Sherloc (09022015). Collection method: clinical testing. Allele origin: germline.

Ambry Genetics
Classification: Likely benign for Inborn genetic diseases. Last evaluated: 2021-09-20. Review status: criteria provided, single submitter. Criteria: Ambry Variant Classification Scheme 2023. Collection method: clinical testing. Allele origin: germline.

GeneDx
Classification: Benign. Last evaluated: 2020-08-14. Review status: criteria provided, single submitter. Criteria: GeneDx Variant Classification Process June 2021. Collection method: clinical testing. Allele origin: germline. Affected: yes.

NM_024757.5(EHMT1):c.3226G>A (p.Gly1076Ser)

Gene: EHMT1 (euchromatic histone lysine methyltransferase 1; plus strand). Cytogenetic location: 9q34.3.
Variant type: single nucleotide variant.
Coding change: c.3226G>A on transcript NM_024757.5 (MANE Select); coding-DNA position 3226, G replaced by A.
Protein change: p.Gly1076Ser; replaces glycine 1076 with serine.
Molecular consequence: missense variant.
Genome position (GRCh38, 1-based): chr9:137,814,476, G>A. VCF-style: chr9-137814476-G-A. GRCh37 (hg19) VCF-style: chr9-140708928-G-A.
Other names: c.3205G>A, p.Gly1069Ser (NM_001354263.2); short protein forms G1069S, G1076S.
Identifiers: ClinVar variation 641823 (VCV000641823.16), dbSNP rs749054610, ClinGen allele CA5375219.